The following is an entry in ClinVar:

ClinVar aggregate classification (germline): Uncertain significance. Review status: criteria provided, multiple submitters, no conflicts (2 of 4 stars). 2 submissions from 2 submitters: Uncertain significance (2). Last evaluated 2024-09-03.

Conditions:
Inborn genetic diseases. Identifiers: MedGen C0950123, MeSH D030342.
Congenital myasthenic syndrome 8. Also called: Myasthenic syndrome, congenital, 8, with pre- and postsynaptic defects; MYASTHENIC SYNDROME, CONGENITAL, DUE TO AGRIN DEFICIENCY. Identifiers: Orphanet 590, MedGen C3808739, MONDO:0014052, OMIM 615120.

Allele frequency attached by ClinVar (database versions not stated): TOPMed below 0.00001; gnomAD 0.00001 and 0.00002; gnomAD exomes 0.00001; ExAC 0.00005; 1000 Genomes Project 30x 0.00016; 1000 Genomes Project 0.00020.

Submissions (2):

Ambry Genetics
Classification: Uncertain significance for Inborn genetic diseases. Last evaluated: 2024-09-03. Review status: criteria provided, single submitter. Criteria: Ambry Variant Classification Scheme 2023. Collection method: clinical testing. Allele origin: germline.

Labcorp Genetics (formerly Invitae), Labcorp
Classification: Uncertain significance for Congenital myasthenic syndrome 8. Last evaluated: 2021-05-26. Review status: criteria provided, single submitter. Criteria: Invitae Variant Classification Sherloc (09022015). Collection method: clinical testing. Allele origin: germline.
Comment: Algorithms developed to predict the effect of missense changes on protein structure and function are either unavailable or do not agree on the potential impact of this missense change (SIFT: "Tolerated"; PolyPhen-2: "Possibly Damaging"; Align-GVGD: "Class C0"). This variant has not been reported in the literature in individuals with AGRN-related conditions. This variant is present in population databases (rs564170089, ExAC 0.01%). This sequence change replaces proline with leucine at codon 1099 of the AGRN protein (p.Pro1099Leu). The proline residue is moderately conserved and there is a moderate physicochemical difference between proline and leucine. In summary, the available evidence is currently insufficient to determine the role of this variant in disease. Therefore, it has been classified as a Variant of Uncertain Significance.

NM_198576.4(AGRN):c.3296C>T (p.Pro1099Leu)

Gene: AGRN (agrin; plus strand). Cytogenetic location: 1p36.33.
Variant type: single nucleotide variant.
Coding change: c.3296C>T on transcript NM_198576.4 (MANE Select); coding-DNA position 3296, C replaced by T.
Protein change: p.Pro1099Leu; replaces proline 1099 with leucine.
Molecular consequence: missense variant.
Genome position (GRCh38, 1-based): chr1:1,046,865, C>T. VCF-style: chr1-1046865-C-T. GRCh37 (hg19) VCF-style: chr1-982245-C-T.
Other names: c.3296C>T, p.Pro1099Leu (NM_001305275.2); c.2981C>T, p.Pro994Leu (NM_001364727.2); c.3296C>T (NM_198576.3); short protein forms P1099L, P994L.
Identifiers: ClinVar variation 1508970 (VCV001508970.9), dbSNP rs564170089, ClinGen allele CA509017.